The following is an entry in ClinVar:

NM_001242896.3(DEPDC5):c.1374T>A (p.Asp458Glu)

Gene: DEPDC5 (DEP domain containing 5, GATOR1 subcomplex subunit; plus strand). Cytogenetic location: 22q12.3.
Variant type: single nucleotide variant.
Coding change: c.1374T>A on transcript NM_001242896.3 (MANE Select); coding-DNA position 1374, T replaced by A.
Protein change: p.Asp458Glu; replaces aspartic acid 458 with glutamic acid.
Molecular consequence: missense variant. On other transcripts: non-coding transcript variant (5).
Genome position (GRCh38, 1-based): chr22:31,810,570, T>A. VCF-style: chr22-31810570-T-A. GRCh37 (hg19) VCF-style: chr22-32206556-T-A.
Other names: c.1374T>A, p.Asp458Glu (NM_001007188.4, NM_001136029.4, NM_001242897.2 and 7 more transcripts); c.1290T>A, p.Asp430Glu (NM_001369901.1, NM_001369902.1); short protein forms D458E, D430E.
Identifiers: ClinVar variation 2052166 (VCV002052166.4), dbSNP rs2519100372, ClinGen allele CA411276849.
Genomic context (GRCh38, chr22:31,810,570, plus strand): 5'-GTGTATTTCAGCTCTCGGGAGTCCAAAAGAATCTGAGAACGCCCTTCCCATCCAAGTAGA[T>A]TATGACGCCTATGACGCTCAAGTGTTCAGGCTGCCCGGCCCATCCCGGGCCCAGTGCCTC-3'
Protein context (NP_001229825.1, residues 448-468): ESENALPIQV[Asp458Glu]YDAYDAQVFR

ClinVar aggregate classification (germline): Uncertain significance (1 of 4 stars; one submission).

Conditions:
Familial focal epilepsy with variable foci (FPEVF). Identifiers: Orphanet 98820, MedGen C1858477, MONDO:0020310.

Allele frequency attached by ClinVar (database versions not stated): gnomAD exomes below 0.00001.
gnomAD v4.1: 1 of 1,614,166 alleles (0.000062%); highest among the groups gnomAD compares: Non-Finnish European, 0.000085%; no homozygotes.

Submission:

Labcorp Genetics (formerly Invitae), Labcorp
Classification: Uncertain significance for Familial focal epilepsy with variable foci. Last evaluated: 2024-08-12. Review status: criteria provided, single submitter. Criteria: Invitae Variant Classification Sherloc (09022015). Collection method: clinical testing. Allele origin: germline.
Comment: This sequence change replaces aspartic acid, which is acidic and polar, with glutamic acid, which is acidic and polar, at codon 458 of the DEPDC5 protein (p.Asp458Glu). This variant is not present in population databases (gnomAD no frequency). This variant has not been reported in the literature in individuals affected with DEPDC5-related conditions. ClinVar contains an entry for this variant (Variation ID: 2052166). Experimental studies and prediction algorithms are not available or were not evaluated, and the functional significance of this variant is currently unknown. In summary, the available evidence is currently insufficient to determine the role of this variant in disease. Therefore, it has been classified as a Variant of Uncertain Significance.